The following is an entry in ClinVar:

NM_133372.3(FNIP1):c.500C>T (p.Thr167Ile)

Gene: FNIP1 (folliculin interacting protein 1; minus strand). Cytogenetic location: 5q31.1.
Variant type: single nucleotide variant.
Coding change: c.500C>T on transcript NM_133372.3 (MANE Select); coding-DNA position 500, C replaced by T.
Protein change: p.Thr167Ile; replaces threonine 167 with isoleucine.
Molecular consequence: missense variant.
Genome position (GRCh38, 1-based): chr5:131,719,016, G>A on the plus strand (C>T on the coding strand, the complement: FNIP1 is on the minus strand). VCF-style: chr5-131719016-G-A. GRCh37 (hg19) VCF-style: chr5-131054709-G-A.
Other names: c.500C>T, p.Thr167Ile (NM_001008738.3, NM_001346113.2); c.365C>T, p.Thr122Ile (NM_001346114.2); short protein forms T122I, T167I.
Identifiers: ClinVar variation 2108494 (VCV002108494.4), dbSNP rs769773043, ClinGen allele CA3400922.

ClinVar aggregate classification (germline): Uncertain significance (1 of 4 stars; one submission).

Allele frequency attached by ClinVar (database versions not stated): TOPMed below 0.00001; ExAC 0.00001; gnomAD 0.00001; gnomAD exomes 0.00001.
gnomAD v4.1: 11 of 1,613,414 alleles (0.00068%); highest among the groups gnomAD compares: East Asian, 0.0067%; no homozygotes.

Submission:

Labcorp Genetics (formerly Invitae), Labcorp
Classification: Uncertain significance. Last evaluated: 2022-05-28. Review status: criteria provided, single submitter. Criteria: Invitae Variant Classification Sherloc (09022015). Collection method: clinical testing. Allele origin: germline.
Comment: This sequence change replaces threonine, which is neutral and polar, with isoleucine, which is neutral and non-polar, at codon 167 of the FNIP1 protein (p.Thr167Ile). This variant is present in population databases (rs769773043, gnomAD 0.01%). In summary, the available evidence is currently insufficient to determine the role of this variant in disease. Therefore, it has been classified as a Variant of Uncertain Significance. Algorithms developed to predict the effect of missense changes on protein structure and function are either unavailable or do not agree on the potential impact of this missense change (SIFT: "Deleterious"; PolyPhen-2: "Probably Damaging"; Align-GVGD: "Class C0"). This variant has not been reported in the literature in individuals affected with FNIP1-related conditions.